The following is an entry in ClinVar:

NM_004100.5(EYA4):c.374T>C (p.Ile125Thr)

Gene: EYA4 (EYA transcriptional coactivator and phosphatase 4; plus strand). Cytogenetic location: 6q23.2.
Variant type: single nucleotide variant.
Coding change: c.374T>C on transcript NM_004100.5 (MANE Select); coding-DNA position 374, T replaced by C.
Protein change: p.Ile125Thr; replaces isoleucine 125 with threonine.
Molecular consequence: missense variant.
Genome position (GRCh38, 1-based): chr6:133,461,117, T>C. VCF-style: chr6-133461117-T-C. GRCh37 (hg19) VCF-style: chr6-133782255-T-C.
Other names: c.212T>C, p.Ile71Thr (NM_001301012.2, NM_001370459.1); c.374T>C, p.Ile125Thr (NM_001301013.2, NM_172105.4); c.305T>C, p.Ile102Thr (NM_001370458.1, NM_172103.4); short protein forms I125T, I102T, I71T.
Identifiers: ClinVar variation 505221 (VCV000505221.7), dbSNP rs770929581, ClinGen allele CA4008042.

ClinVar aggregate classification (germline): Uncertain significance. Review status: criteria provided, multiple submitters, no conflicts (2 of 4 stars). 2 submissions from 2 submitters: Uncertain significance (2). Last evaluated 2022-10-31.

Conditions:
Dilated cardiomyopathy 1J (CMD1J). Also called: CARDIOMYOPATHY, DILATED, WITH SENSORINEURAL HEARING LOSS, AUTOSOMAL DOMINANT. Identifiers: Orphanet 217622, MedGen C1854368, MONDO:0011541, OMIM 605362.

Allele frequency attached by ClinVar (database versions not stated): gnomAD below 0.00001 and 0.00001; gnomAD exomes below 0.00001; ExAC 0.00001.
gnomAD v4.1: 3 of 1,610,830 alleles (0.00019%); highest among the groups gnomAD compares: South Asian, 0.0022%; no homozygotes.

Submissions (2):

Labcorp Genetics (formerly Invitae), Labcorp
Classification: Uncertain significance for Dilated cardiomyopathy 1J. Last evaluated: 2022-10-31. Review status: criteria provided, single submitter. Criteria: Invitae Variant Classification Sherloc (09022015). Collection method: clinical testing. Allele origin: germline.
Comment: This sequence change replaces isoleucine, which is neutral and non-polar, with threonine, which is neutral and polar, at codon 125 of the EYA4 protein (p.Ile125Thr). This variant is present in population databases (rs770929581, gnomAD 0.003%). This variant has not been reported in the literature in individuals affected with EYA4-related conditions. ClinVar contains an entry for this variant (Variation ID: 505221). Algorithms developed to predict the effect of missense changes on protein structure and function are either unavailable or do not agree on the potential impact of this missense change (SIFT: "Deleterious"; PolyPhen-2: "Probably Damaging"; Align-GVGD: "Class C0"). In summary, the available evidence is currently insufficient to determine the role of this variant in disease. Therefore, it has been classified as a Variant of Uncertain Significance.

Laboratory for Molecular Medicine, Mass General Brigham Personalized Medicine
Classification: Uncertain significance. Last evaluated: 2016-08-04. Review status: criteria provided, single submitter. Criteria: LMM Criteria. Collection method: clinical testing. Allele origin: germline. Observed: 1 variant allele.
Comment: The p.Ile125Thr variant in EYA4 has been identified in one individual with heari ng loss who had several other variants in other genes associated to hearing loss (Shearer 2013). This variant has also been identified in 1/16500 South Asian ch romosomes by the Exome Aggregation Consortium (ExAC. org; dbSNP rs770929581); however, this frequency in the general population is no t high enough to rule out a pathogenic role. Computational prediction tools and conservation analyses do not provide strong support for or against an impact to the protein. In summary, the clinical significance of the p.Ile125Thr variant i s uncertain.

Literature cited by the submitters: PubMed 23804846 (cited by Laboratory for Molecular Medicine, Mass General Brigham Personalized Medicine).